The following is an entry in ClinVar:

ClinVar aggregate classification (germline): Uncertain significance (1 of 4 stars; one submission).

Conditions:
Spastic paraplegia. Identifiers: MedGen C0037772, HP:0001258.

Submission:

Labcorp Genetics (formerly Invitae), Labcorp
Classification: Uncertain significance for Spastic paraplegia. Last evaluated: 2017-05-27. Review status: criteria provided, single submitter. Criteria: Invitae Variant Classification Sherloc (09022015). Collection method: clinical testing. Allele origin: germline.
Comment: In summary, this variant has uncertain impact on ERLIN2 function. The available evidence is currently insufficient to determine its role in disease. Therefore, it has been classified as a Variant of Uncertain Significance. Algorithms developed to predict the effect of missense changes on protein structure and function (SIFT, PolyPhen-2, Align-GVGD) all suggest that this variant is likely to be disruptive, but these predictions have not been confirmed by published functional studies and their clinical significance is uncertain. This variant has not been reported in the literature in individuals with a ERLIN2-related disease. This variant is not present in population databases (ExAC no frequency). This sequence change replaces glycine with tryptophan at codon 32 of the ERLIN2 protein (p.Gly32Trp). The glycine residue is highly conserved and there is a large physicochemical difference between glycine and tryptophan.

NM_007175.8(ERLIN2):c.94G>T (p.Gly32Trp)

Gene: ERLIN2 (ER lipid raft associated 2; plus strand). Cytogenetic location: 8p11.23.
Variant type: single nucleotide variant.
Coding change: c.94G>T on transcript NM_007175.8 (MANE Select); coding-DNA position 94, G replaced by T.
Protein change: p.Gly32Trp; replaces glycine 32 with tryptophan.
Molecular consequence: missense variant.
Genome position (GRCh38, 1-based): chr8:37,738,016, G>T. VCF-style: chr8-37738016-G-T. GRCh37 (hg19) VCF-style: chr8-37595534-G-T.
Other names: c.94G>T, p.Gly32Trp (NM_001003790.4, NM_001003791.3, NM_001362878.2 and 1 more transcripts); short protein forms G32W.
Identifiers: ClinVar variation 458246 (VCV000458246.5), dbSNP rs1554515558, ClinGen allele CA370649170.
Genomic context (GRCh38, chr8:37,738,016, plus strand): 5'-TCCAGTTTCTTTTGTGCATCTCTCTTCTCAGCTGTGCACAAGATAGAAGAGGGACATATT[G>T]GGGTATATTACAGGTAAGGCAGAGACAGGGAGAAGCCGGCAACTTCCTGTTAAATAGCTC-3'
Protein context (NP_009106.1, residues 22-42): AVHKIEEGHI[Gly32Trp]VYYRGGALLT